The following is an entry in ClinVar:

ClinVar aggregate classification (germline): Uncertain significance (1 of 4 stars; one submission).

Conditions:
Developmental and epileptic encephalopathy, 65. Also called: EPILEPTIC ENCEPHALOPATHY, EARLY INFANTILE, 65. Identifiers: MedGen C4693925, MONDO:0033374, OMIM 618008.

Submission:

Baylor Genetics
Classification: Uncertain significance for Developmental and epileptic encephalopathy, 65. Last evaluated: 2019-12-24. Review status: criteria provided, single submitter. Criteria: ACMG Guidelines, 2015. Collection method: clinical testing. Allele origin: unknown. Affected: yes.
Comment: This variant was determined to be of uncertain significance according to ACMG Guidelines, 2015 [PMID:25741868].

NM_001037333.3(CYFIP2):c.2011A>G (p.Asn671Asp)

Gene: CYFIP2 (cytoplasmic FMR1 interacting protein 2; plus strand). Cytogenetic location: 5q33.3.
Variant type: single nucleotide variant.
Coding change: c.2011A>G on transcript NM_001037333.3 (MANE Select); coding-DNA position 2011, A replaced by G.
Protein change: p.Asn671Asp; replaces asparagine 671 with aspartic acid.
Molecular consequence: missense variant.
Genome position (GRCh38, 1-based): chr5:157,326,199, A>G. VCF-style: chr5-157326199-A-G. GRCh37 (hg19) VCF-style: chr5-156753207-A-G.
Other names: c.1933A>G, p.Asn645Asp (NM_001291721.2); c.2086A>G, p.Asn696Asp (NM_001291722.2); c.2011A>G, p.Asn671Asp (NM_014376.4); short protein forms N696D, N671D, N645D.
Identifiers: ClinVar variation 1028476 (VCV001028476.1), dbSNP rs1761007330, ClinGen allele CA361970483.
Genomic context (GRCh38, chr5:157,326,199, plus strand): 5'-GCAAGCGGCTGGCTGTGTTTTTCCCTCTTCAGGTATGTCCTCTACCCTCTGGATCTGTAC[A>G]ACGACAGCGCCTACTATGCTCTGACCAAGTTTAAAAAGCAGTTCCTGTACGATGAGATAG-3'
Protein context (NP_001032410.1, residues 661-681): EYVLYPLDLY[Asn671Asp]DSAYYALTKF